The following is an entry in ClinVar:

ClinVar aggregate classification (germline): Uncertain significance. Review status: criteria provided, multiple submitters, no conflicts (2 of 4 stars). 10 submissions from 8 submitters: Uncertain significance (8). 2 of the submissions do not count toward it. Last evaluated 2024-06-19.

Conditions:
Renal-hepatic-pancreatic dysplasia 1 (RHPD1). Identifiers: MedGen C3715199, MONDO:0008833, OMIM 208540.
NPHP3-related Meckel-like syndrome. Also called: GOLDSTON SYNDROME; Meckel syndrome type 7. Identifiers: Orphanet 3032, MedGen C2673885, MONDO:0009966, OMIM 267010.
Nephronophthisis 3 (NPHP3). Also called: Adolescent nephronophthisis. Identifiers: Orphanet 655, MedGen C1858392, MONDO:0011456, OMIM 604387.
Nephronophthisis. Also called: Juvenile Nephronophthisis. Identifiers: Orphanet 655, MedGen C0687120, MONDO:0019005, HP:0000090.

Allele frequency attached by ClinVar (database versions not stated): ExAC 0.00027; gnomAD exomes 0.00029; gnomAD 0.00034 and 0.00036; TOPMed 0.00037; ESP Exome Variant Server 0.00054.
gnomAD v4.1: 865 of 1,613,970 alleles (0.054%); highest among the groups gnomAD compares: Non-Finnish European, 0.07%; 1 homozygote.

Submissions (10):

Fulgent Genetics
Classification: Uncertain significance for Renal-hepatic-pancreatic dysplasia 1; NPHP3-related Meckel-like syndrome; Nephronophthisis 3. Last evaluated: 2024-06-19. Review status: criteria provided, single submitter. Criteria: ACMG Guidelines, 2015. Collection method: clinical testing. Allele origin: germline.

Blueprint Genetics
Classification: Uncertain significance. Last evaluated: 2024-06-12. Review status: criteria provided, single submitter. Criteria: ACMG Guidelines, 2015. Collection method: clinical testing. Allele origin: germline.

Labcorp Genetics (formerly Invitae), Labcorp
Classification: Uncertain significance for Nephronophthisis. Last evaluated: 2024-01-08. Review status: criteria provided, single submitter. Criteria: Invitae Variant Classification Sherloc (09022015). Collection method: clinical testing. Allele origin: germline.
Comment: This sequence change replaces glutamine, which is neutral and polar, with glutamic acid, which is acidic and polar, at codon 961 of the NPHP3 protein (p.Gln961Glu). This variant is present in population databases (rs144989330, gnomAD 0.06%). This missense change has been observed in individual(s) with clinical features of nephronophthisis-associated ciliopathy (PMID: 23188109). ClinVar contains an entry for this variant (Variation ID: 343382). An algorithm developed to predict the effect of missense changes on protein structure and function (PolyPhen-2) suggests that this variant is likely to be disruptive. In summary, the available evidence is currently insufficient to determine the role of this variant in disease. Therefore, it has been classified as a Variant of Uncertain Significance.

GeneDx
Classification: Uncertain significance. Last evaluated: 2023-09-27. Review status: criteria provided, single submitter. Criteria: GeneDx Variant Classification Process June 2021. Collection method: clinical testing. Allele origin: germline. Affected: yes.
Comment: Reported as heterozygous in a patient with nephronophthisis associated ciliopathy; no additional information was provided (Halbritter et al., 2012); In silico analysis supports that this missense variant does not alter protein structure/function; This variant is associated with the following publications: (PMID: 23188109, 31738409)

Illumina Laboratory Services, Illumina
Classification: Uncertain significance for Nephronophthisis 3. Last evaluated: 2018-01-12. Review status: criteria provided, single submitter. Criteria: ICSL Variant Classification Criteria 13 December 2019. Collection method: clinical testing. Allele origin: germline.

Illumina Laboratory Services, Illumina
Classification: Uncertain significance for Renal-hepatic-pancreatic dysplasia 1. Last evaluated: 2018-01-12. Review status: criteria provided, single submitter. Criteria: ICSL Variant Classification Criteria 13 December 2019. Collection method: clinical testing. Allele origin: germline.

Illumina Laboratory Services, Illumina
Classification: Uncertain significance for NPHP3-related Meckel-like syndrome. Last evaluated: 2018-01-12. Review status: criteria provided, single submitter. Criteria: ICSL Variant Classification Criteria 13 December 2019. Collection method: clinical testing. Allele origin: germline.

Eurofins Ntd Llc (ga)
Classification: Uncertain significance. Last evaluated: 2017-10-25. Review status: criteria provided, single submitter. Criteria: EGL Classification Definitions 2015. Collection method: clinical testing. Allele origin: germline. Observed: 2 variant alleles, 2 heterozygotes.

Clinical Genetics, Academic Medical Center
Classification: Likely benign. Review status: no assertion criteria provided. Collection method: clinical testing. Allele origin: germline. Affected: yes. Study: VKGL Data-share Consensus. Not counted in ClinVar's aggregate classification.

Genome Diagnostics Laboratory, University Medical Center Utrecht
Classification: Likely benign. Review status: no assertion criteria provided. Collection method: clinical testing. Allele origin: germline. Affected: yes. Study: VKGL Data-share Consensus. Not counted in ClinVar's aggregate classification.

Literature cited by the submitters: PubMed 23188109 (cited by Labcorp Genetics (formerly Invitae), Labcorp).

NM_153240.5(NPHP3):c.2881C>G (p.Gln961Glu)

Genes: NPHP3 (nephrocystin 3; minus strand), NPHP3-ACAD11 (NPHP3-ACAD11 readthrough (NMD candidate); minus strand). Cytogenetic location: 3q22.1.
Variant type: single nucleotide variant.
Coding change: c.2881C>G on transcript NM_153240.5 (MANE Select); coding-DNA position 2881, C replaced by G.
Protein change: p.Gln961Glu; replaces glutamine 961 with glutamic acid.
Molecular consequence: missense variant. On other transcripts: non-coding transcript variant (1).
Genome position (GRCh38, 1-based): chr3:132,689,076, G>C on the plus strand (C>G on the coding strand, the complement: NPHP3 is on the minus strand). VCF-style: chr3-132689076-G-C. GRCh37 (hg19) VCF-style: chr3-132407920-G-C.
Other names: short protein forms Q961E.
Identifiers: ClinVar variation 343382 (VCV000343382.24), dbSNP rs144989330, ClinGen allele CA2621908.